The following is an entry in ClinVar:

ClinVar aggregate classification (germline): Uncertain significance (1 of 4 stars; one submission).

gnomAD v4.1: 29 of 1,608,222 alleles (0.0018%); highest among the groups gnomAD compares: Admixed American, 0.024%; no homozygotes.

Submission:

CeGaT Center for Human Genetics Tuebingen
Classification: Uncertain significance. Last evaluated: 2026-04-01. Review status: criteria provided, single submitter. Criteria: CeGaT Center For Human Genetics Tuebingen Variant Classification Criteria Version 2. Collection method: clinical testing. Allele origin: germline. Affected: yes. Observed: 1 variant allele.
Comment: CNOT1: PP2, BP4

NM_016284.5(CNOT1):c.4434+74A>G

Gene: CNOT1 (CCR4-NOT transcription complex subunit 1; minus strand). Cytogenetic location: 16q21.
Variant type: single nucleotide variant.
Coding change: c.4434+74A>G on transcript NM_016284.5 (MANE Select); 74 bases into the intron after coding-DNA position 4434, A replaced by G.
Molecular consequence: intron variant. On other transcripts: missense variant (1).
Genome position (GRCh38, 1-based): chr16:58,543,533, T>C on the plus strand (A>G on the coding strand, the complement: CNOT1 is on the minus strand). VCF-style: chr16-58543533-T-C. GRCh37 (hg19) VCF-style: chr16-58577437-T-C.
Other names: c.4508A>G, p.Tyr1503Cys (NM_206999.3); c.4419+74A>G (NM_001265612.2); short protein forms Y1503C.
Identifiers: ClinVar variation 4873925 (VCV004873925.2).